The following is an entry in ClinVar:

ClinVar aggregate classification (germline): Uncertain significance (1 of 4 stars; one submission).

Allele frequency attached by ClinVar (database versions not stated): TOPMed 0.00001.

Submission:

GeneDx
Classification: Uncertain significance. Last evaluated: 2022-07-07. Review status: criteria provided, single submitter. Criteria: GeneDx Variant Classification Process June 2021. Collection method: clinical testing. Allele origin: germline. Affected: yes.
Comment: Not observed at significant frequency in large population cohorts (gnomAD); In silico analysis, which includes splice predictors and evolutionary conservation, suggests this variant may impact gene splicing. In the absence of RNA/functional studies, the actual effect of this sequence change is unknown.; Has not been previously published as pathogenic or benign to our knowledge

NM_018834.6(MATR3):c.2494-11T>C

Gene: MATR3 (matrin 3; plus strand). Cytogenetic location: 5q31.2.
Variant type: single nucleotide variant.
Coding change: c.2494-11T>C on transcript NM_018834.6 (MANE Select); 11 bases into the intron before coding-DNA position 2494, T replaced by C.
Molecular consequence: intron variant.
Genome position (GRCh38, 1-based): chr5:139,329,334, T>C. VCF-style: chr5-139329334-T-C. GRCh37 (hg19) VCF-style: chr5-138665023-T-C.
Other names: c.2494-11T>C (NM_001400451.1, NM_001400450.1, NM_001400455.1 and 11 more transcripts); c.2638-11T>C (NM_001400441.1, NM_001400444.1, NM_001400442.1 and 2 more transcripts); c.1633-11T>C (NM_001400459.1); c.1480-11T>C (NM_001400463.1, NM_001282278.2, NM_001400462.1 and 4 more transcripts); c.1624-11T>C (NM_001400460.1); c.1594-11T>C (NM_001400461.1); c.1630-11T>C (NM_001194956.2).
Identifiers: ClinVar variation 1810721 (VCV001810721.1), dbSNP rs1756013875, ClinGen allele CA1586269076.